The following is an entry in ClinVar:

NM_000426.4(LAMA2):c.8378_8381del (p.Val2793fs)

Gene: LAMA2 (laminin subunit alpha 2; plus strand). Cytogenetic location: 6q22.33.
Variant type: Deletion.
Coding change: c.8378_8381del on transcript NM_000426.4 (MANE Select); coding-DNA positions 8378 to 8381, 4 bases deleted (TAAG; older notation c.8378_8381delTAAG).
Protein change: p.Val2793fs; shifts the reading frame from valine 2793.
Molecular consequence: frameshift variant.
Genome position (GRCh38, 1-based): chr6:129,503,111-129,503,114, TAAG deleted; deleting any 4 consecutive bases within chr6:129,503,108-129,503,114 gives the same sequence; the c. name uses the placement nearest the transcript's 3' end. VCF-style (leftmost placement, unchanged base first): chr6-129503107-GAAGT-G. GRCh37 (hg19) VCF-style: chr6-129824252-GAAGT-G.
Other names: c.8366_8369del, p.Val2789fs (NM_001079823.2); short protein forms V2793fs, V2789fs.
Identifiers: ClinVar variation 1369140 (VCV001369140.7), dbSNP rs2114890769, ClinGen allele CA2573140494.

ClinVar aggregate classification (germline): Pathogenic. Review status: criteria provided, multiple submitters, no conflicts (2 of 4 stars). 2 submissions from 2 submitters: Pathogenic (2). Last evaluated 2025-12-01.

Conditions:
LAMA2-related disorder. Also called: LAMA2-related disorders; LAMA2-related condition.
LAMA2-related muscular dystrophy (LAMA2-RD). Also called: Laminin alpha 2-related dystrophy. Identifiers: MedGen C5679788, MONDO:0100228.

Submissions (2):

3billion
Classification: Pathogenic for LAMA2-related disorder. Last evaluated: 2025-12-01. Review status: criteria provided, single submitter. Criteria: ACMG Guidelines, 2015. Collection method: clinical testing. Allele origin: germline. Affected: yes.
Comment: The variant is observed at an extremely low frequency in the gnomAD v4.1.0 dataset (total allele frequency: <0.001%). Predicted Consequence/Location: Frameshift: predicted to result in a loss or disruption of normal protein function through nonsense-mediated decay (NMD) or protein truncation. Multiple pathogenic variants are reported downstream of the variant. The variant has been reported to be associated with LAMA2-related disorder (ClinVar ID: VCV001369140). Therefore, this variant is classified as Pathogenic according to the recommendation of ACMG/AMP guideline.

Labcorp Genetics (formerly Invitae), Labcorp
Classification: Pathogenic for LAMA2-related muscular dystrophy. Last evaluated: 2022-02-05. Review status: criteria provided, single submitter. Criteria: Invitae Variant Classification Sherloc (09022015). Collection method: clinical testing. Allele origin: germline.
Comment: For these reasons, this variant has been classified as Pathogenic. This variant has not been reported in the literature in individuals affected with LAMA2-related conditions. This variant is not present in population databases (gnomAD no frequency). This sequence change creates a premature translational stop signal (p.Val2793Glufs*25) in the LAMA2 gene. It is expected to result in an absent or disrupted protein product. Loss-of-function variants in LAMA2 are known to be pathogenic (PMID: 18700894, 32904964).

Literature cited by the submitters: PubMed 18700894 (cited by Labcorp Genetics (formerly Invitae), Labcorp); PubMed 32904964 (cited by Labcorp Genetics (formerly Invitae), Labcorp).